The following is an entry in ClinVar:

NM_000202.8(IDS):c.137A>C (p.Asp46Ala)

Gene: IDS (iduronate 2-sulfatase; minus strand). Cytogenetic location: Xq28.
Variant type: single nucleotide variant.
Coding change: c.137A>C on transcript NM_000202.8 (MANE Select); coding-DNA position 137, A replaced by C.
Protein change: p.Asp46Ala; replaces aspartic acid 46 with alanine.
Molecular consequence: missense variant. On other transcripts: 5 prime UTR variant (1), non-coding transcript variant (1).
Genome position (GRCh38, 1-based): chrX:149,504,260, T>G on the plus strand (A>C on the coding strand, the complement: IDS is on the minus strand). VCF-style: chrX-149504260-T-G. GRCh37 (hg19) VCF-style: chrX-148585790-T-G.
Other names: c.-90A>C (NM_001166550.4); c.137A>C, p.Asp46Ala (NM_006123.5); short protein forms D46A.
Identifiers: ClinVar variation 3255887 (VCV003255887.2).
Genomic context (GRCh38, chrX:149,504,260, plus strand): 5'-TGGTCAATATTTGGGGACCTCACCAGCTTATCCCCATAACAGCCCAGGGAGGGGCGCAGG[T>G]CATCCACGATGATGAGAAGAACGTTCAGAGCATCTACACAGGAGGGAGGGGCTTTGGTGA-3'
Protein context (NP_000193.1, residues 36-56): ALNVLLIIVD[Asp46Ala]LRPSLGCYGD

ClinVar aggregate classification (germline): Pathogenic (1 of 4 stars; one submission).

Conditions:
Mucopolysaccharidosis, MPS-II (MPS2). Also called: Hunter Syndrome; IDURONATE 2-SULFATASE DEFICIENCY; Mucopolysaccharidosis Type II; Mucopolysaccharidosis type 2; Attenuated MPS (subtype; formerly known as mild MPS II); Severe MPS II. Identifiers: Orphanet 580, Orphanet 79388, MedGen C0026705, MONDO:0010674, OMIM 309900.

Submission:

Laboratory of Diagnosis and Therapy of Lysosomal Disorders, University of Padova
Classification: Pathogenic for Mucopolysaccharidosis, MPS-II. Last evaluated: 2024-06-07. Review status: criteria provided, single submitter. Criteria: ACMG Guidelines, 2015. Collection method: literature only. Allele origin: germline. Affected: yes. Observed: 3 variant alleles.
Comment: In vitro or in vivo functional studies supportive of a damaging effect (PS3_Strong), Located in a mutational hot spot and/or critical functional domain (PM1_Moderate), Absent from controls (or at low frequency) in gnomAD database (PM2_Moderate), Missense variant in a gene with a low rate of benign missense variation (PP2_Supporting), Multiple lines of computational evidence support a deleterious effect (PP3_Supporting), Patient’s phenotype or family history highly specific for the disease (PP4_Moderate)

Classification method: ACMG Guidelines [PMID:25741868] with modifications

Literature cited by the submitters: PubMed 31877959; PubMed 33176815; PubMed 22976768.